The following is an entry in ClinVar:

ClinVar aggregate classification (germline): Pathogenic (0 of 4 stars; one submission).

Conditions:
Fanconi anemia complementation group A (FANCA). Also called: Fanconi anemia, group A; FANCA-Related Fanconi Anemia. Identifiers: Orphanet 84, MedGen C3469521, MONDO:0009215, OMIM 227650.

Submission:

Leiden Open Variation Database
Classification: Pathogenic for Fanconi anemia complementation group A. Last evaluated: 2020-02-28. Review status: no assertion criteria provided. Collection method: curation. Allele origin: germline. Affected: yes.
Comment: Curator: Arleen D. Auerbach. Submitter to LOVD: Arleen D. Auerbach.

Literature cited by the submitters: PubMed 25168418.

NC_000016.10:g.(89784965_89791402)_(89792069_89792470)del

Gene: FANCA (FA complementation group A; minus strand). Cytogenetic location: 16q24.3.
Variant type: Deletion.
Identifiers: ClinVar variation 974002 (VCV000974002.1).